The following is an entry in ClinVar:

NM_004183.4(BEST1):c.1571T>C (p.Met524Thr)

Gene: BEST1 (bestrophin 1; plus strand). Cytogenetic location: 11q12.3.
Variant type: single nucleotide variant.
Coding change: c.1571T>C on transcript NM_004183.4 (MANE Select); coding-DNA position 1571, T replaced by C.
Protein change: p.Met524Thr; replaces methionine 524 with threonine.
Molecular consequence: missense variant. On other transcripts: non-coding transcript variant (1).
Genome position (GRCh38, 1-based): chr11:61,962,725, T>C. VCF-style: chr11-61962725-T-C. GRCh37 (hg19) VCF-style: chr11-61730197-T-C.
Other names: c.1391T>C, p.Met464Thr (NM_001139443.3, NM_001300787.2); c.1310T>C, p.Met437Thr (NM_001300786.2); c.1253T>C, p.Met418Thr (NM_001363591.3); c.*466T>C (NM_001363592.2); c.599T>C, p.Met200Thr (NM_001363593.3); short protein forms M437T, M464T, M200T, M418T, M524T.
Identifiers: ClinVar variation 736218 (VCV000736218.21), dbSNP rs145209035, ClinGen allele CA6041084.

ClinVar aggregate classification (germline): Conflicting classifications of pathogenicity. Review status: criteria provided, conflicting classifications (1 of 4 stars). 5 submissions from 5 submitters: Uncertain significance (2); Benign (1); Likely benign (1). 1 of the submissions does not count toward it. Last evaluated 2025-11-08.

Conditions:
BEST1-related disorder. Also called: BEST1-related condition; BEST1-related disorders. Identifiers: MedGen CN239200.

Allele frequency attached by ClinVar (database versions not stated): gnomAD exomes 0.00006 and 0.00019; ExAC 0.00025; ESP Exome Variant Server 0.00085; gnomAD 0.00086; TOPMed 0.00089; 1000 Genomes Project 30x 0.00109; 1000 Genomes Project 0.00120.
gnomAD v4.1: 215 of 1,614,228 alleles (0.013%); highest among the groups gnomAD compares: African/African-American, 0.25%; 1 homozygote.

Submissions (5):

Labcorp Genetics (formerly Invitae), Labcorp
Classification: Likely benign. Last evaluated: 2025-11-08. Review status: criteria provided, single submitter. Criteria: Invitae Variant Classification Sherloc (09022015). Collection method: clinical testing. Allele origin: germline.

GeneDx
Classification: Uncertain significance. Last evaluated: 2024-06-25. Review status: criteria provided, single submitter. Criteria: GeneDx Variant Classification Process June 2021. Collection method: clinical testing. Allele origin: germline. Affected: yes.
Comment: In silico analysis indicates that this missense variant does not alter protein structure/function; Has not been previously published as pathogenic or benign to our knowledge

Revvity Omics, Revvity
Classification: Uncertain significance. Last evaluated: 2024-01-26. Review status: criteria provided, single submitter. Criteria: ACMG Guidelines, 2015. Collection method: clinical testing. Allele origin: germline.

Blueprint Genetics
Classification: Benign. Last evaluated: 2023-12-08. Review status: criteria provided, single submitter. Criteria: ACMG Guidelines, 2015. Collection method: clinical testing. Allele origin: germline.

PreventionGenetics, part of Exact Sciences
Classification: Likely benign for BEST1-related condition. Last evaluated: 2019-10-04. Review status: no assertion criteria provided. Collection method: clinical testing. Allele origin: germline. Not counted in ClinVar's aggregate classification.
Comment: This variant is classified as likely benign based on ACMG/AMP sequence variant interpretation guidelines (Richards et al. 2015 PMID: 25741868, with internal and published modifications).